The following is an entry in ClinVar:

NM_000096.4(CP):c.2926G>A (p.Val976Met)

Gene: CP (ceruloplasmin; minus strand). Cytogenetic location: 3q24.
Variant type: single nucleotide variant.
Coding change: c.2926G>A on transcript NM_000096.4 (MANE Select); coding-DNA position 2926, G replaced by A.
Protein change: p.Val976Met; replaces valine 976 with methionine.
Molecular consequence: missense variant. On other transcripts: non-coding transcript variant (1).
Genome position (GRCh38, 1-based): chr3:149,177,932, C>T on the plus strand (G>A on the coding strand, the complement: CP is on the minus strand). VCF-style: chr3-149177932-C-T. GRCh37 (hg19) VCF-style: chr3-148895719-C-T.
Other names: short protein forms V976M.
Identifiers: ClinVar variation 1428841 (VCV001428841.7), dbSNP rs192063766, ClinGen allele CA2660595.

ClinVar aggregate classification (germline): Uncertain significance (1 of 4 stars; one submission).

Conditions:
Deficiency of ferroxidase (ACEP). Also called: Aceruloplasminemia; Deficiency of ceruloplasmin; NEURODEGENERATION WITH BRAIN IRON ACCUMULATION 10; Ceruloplasmin deficiency; Familial apoceruloplasmin deficiency; Hereditary ceruloplasmin deficiency. Identifiers: Orphanet 48818, MedGen C0878682, MONDO:0011426, OMIM 604290, HP:0025498.

Allele frequency attached by ClinVar (database versions not stated): ExAC 0.00007; TOPMed 0.00007; gnomAD 0.00011 and 0.00012; ESP Exome Variant Server 0.00015; 1000 Genomes Project 30x 0.00031; 1000 Genomes Project 0.00040.
gnomAD v4.1: 43 of 1,613,446 alleles (0.0027%); highest among the groups gnomAD compares: African/African-American, 0.039%; no homozygotes.

Submission:

Labcorp Genetics (formerly Invitae), Labcorp
Classification: Uncertain significance for Deficiency of ferroxidase. Last evaluated: 2024-01-29. Review status: criteria provided, single submitter. Criteria: Invitae Variant Classification Sherloc (09022015). Collection method: clinical testing. Allele origin: germline.
Comment: This sequence change replaces valine, which is neutral and non-polar, with methionine, which is neutral and non-polar, at codon 976 of the CP protein (p.Val976Met). This variant is present in population databases (rs192063766, gnomAD 0.04%). This variant has not been reported in the literature in individuals affected with CP-related conditions. ClinVar contains an entry for this variant (Variation ID: 1428841). Advanced modeling of protein sequence and biophysical properties (such as structural, functional, and spatial information, amino acid conservation, physicochemical variation, residue mobility, and thermodynamic stability) has been performed at Invitae for this missense variant, however the output from this modeling did not meet the statistical confidence thresholds required to predict the impact of this variant on CP protein function. In summary, the available evidence is currently insufficient to determine the role of this variant in disease. Therefore, it has been classified as a Variant of Uncertain Significance.